The following is an entry in ClinVar:

ClinVar aggregate classification (germline): Conflicting classifications of pathogenicity. Review status: criteria provided, conflicting classifications (1 of 4 stars). 9 submissions from 9 submitters: Uncertain significance (2); Benign (1); Likely benign (4). 2 of the submissions do not count toward it. Last evaluated 2026-08-01.

Conditions:
TTN-related disorder. Also called: TTN-related disorders; TTN-related condition; TTN-related disease.
Myopathy, myofibrillar, 9, with early respiratory failure (MFM9). Also called: EDSTROM MYOPATHY; MYOPATHY, PROXIMAL, WITH EARLY RESPIRATORY MUSCLE INVOLVEMENT; Hereditary myopathy with early respiratory failure; Myopathy, distal, with early respiratory failure, autosomal dominant. Identifiers: Orphanet 178464, Orphanet 34521, MedGen C1863599, MONDO:0011362, OMIM 603689.
Tibial muscular dystrophy (TMD). Also called: Udd Distal Myopathy – Tibial Muscular Dystrophy; Tibial muscular dystrophy, tardive; UDD MYOPATHY. Identifiers: Orphanet 609, MedGen C1838244, MONDO:0010870, OMIM 600334.
Hypertrophic cardiomyopathy 9. Also called: Familial hypertrophic cardiomyopathy 9. Identifiers: MedGen C1861065, MONDO:0013412, OMIM 613765.
Autosomal recessive limb-girdle muscular dystrophy type 2J (LGMDR10). Also called: Limb-girdle muscular dystrophy, type 2J; MUSCULAR DYSTROPHY, LIMB-GIRDLE, AUTOSOMAL RECESSIVE 10. Identifiers: Orphanet 140922, MedGen C1837342, MONDO:0012127, OMIM 608807.
Early-onset myopathy with fatal cardiomyopathy (CMYO5). Also called: Salih Myopathy; CONGENITAL MYOPATHY 5 WITH CARDIOMYOPATHY. Identifiers: Orphanet 289377, MedGen C2673677, MONDO:0012714, OMIM 611705. Disease mechanism: loss of function.
Dilated cardiomyopathy 1G (CMD1G). Identifiers: Orphanet 154, MedGen C1858763, MONDO:0011400, OMIM 604145.

Allele frequency attached by ClinVar (database versions not stated): ESP Exome Variant Server 0.00023; gnomAD 0.00025; TOPMed 0.00061; ExAC 0.00067; gnomAD exomes 0.00069 and 0.00093; 1000 Genomes Project 30x 0.00078; 1000 Genomes Project 0.00080.
gnomAD v4.1: 1,469 of 1,612,842 alleles (0.091%); highest among the groups gnomAD compares: South Asian, 0.19%; 1 homozygote.

Submissions (9):

CeGaT Center for Human Genetics Tuebingen
Classification: Likely benign. Last evaluated: 2026-08-01. Review status: criteria provided, single submitter. Criteria: CeGaT Center For Human Genetics Tuebingen Variant Classification Criteria Version 2. Collection method: clinical testing. Allele origin: germline. Affected: yes. Observed: 9 variant alleles.
Comment: TTN: BP4

Laboratory of Genetics, Children's Clinical University Hospital Latvia
Classification: Benign. Last evaluated: 2025-02-16. Review status: criteria provided, single submitter. Criteria: ACMG Guidelines, 2015. Collection method: clinical testing. Allele origin: germline. Affected: yes.

Blueprint Genetics
Classification: Likely benign. Last evaluated: 2024-10-28. Review status: criteria provided, single submitter. Criteria: ACMG Guidelines, 2015. Collection method: clinical testing. Allele origin: germline.

Department of Pathology and Laboratory Medicine, Sinai Health System
Classification: Uncertain significance for Tibial muscular dystrophy; Myopathy, myofibrillar, 9, with early respiratory failure; Dilated cardiomyopathy 1G; Autosomal recessive limb-girdle muscular dystrophy type 2J; Early-onset myopathy with fatal cardiomyopathy; Hypertrophic cardiomyopathy 9. Last evaluated: 2021-08-12. Review status: criteria provided, single submitter. Criteria: ACMG Guidelines, 2015. Collection method: research. Allele origin: germline.

Eurofins Ntd Llc (ga)
Classification: Likely benign. Last evaluated: 2017-11-30. Review status: criteria provided, single submitter. Criteria: EGL Classification Definitions 2015. Collection method: clinical testing. Allele origin: germline. Observed: 4 variant alleles, 4 heterozygotes.

Laboratory for Molecular Medicine, Mass General Brigham Personalized Medicine
Classification: Uncertain significance. Last evaluated: 2014-09-12. Review status: criteria provided, single submitter. Criteria: LMM Criteria. Collection method: clinical testing. Allele origin: germline. Observed: 3 variant alleles.
Comment: The Ala4239Val variant in TTN has been reported by our laboratory in 2 adults wi th HCM. It has also been identified in 2/8584 European American chromosomes and in 1/4380 African American chromosomes by the NHLBI Exome Sequencing Project (dbSNP rs72647901). Computational prediction too ls and conservation analysis are limited or unavailable for this variant. In sum mary, the clinical significance of the Ala4239Val variant is uncertain.

Biesecker Lab/Clinical Genomics Section, National Institutes of Health
Classification: Likely benign. Last evaluated: 2013-06-24. Review status: criteria provided, single submitter. Criteria: Ng et al. (Circ Cardiovasc Genet. 2013). Collection method: research. Allele origin: unknown. Observed: 3 variant alleles. Study: ClinSeq.
Comment: The study set was not selected for affection status in relation to any cancer. Pathogenicity categories were based on literature curation. See Pubmed ID:23861362 for details.

Medical sequencing

PreventionGenetics, part of Exact Sciences
Classification: Likely benign for TTN-related condition. Last evaluated: 2022-04-10. Review status: no assertion criteria provided. Collection method: clinical testing. Allele origin: germline. Not counted in ClinVar's aggregate classification.
Comment: This variant is classified as likely benign based on ACMG/AMP sequence variant interpretation guidelines (Richards et al. 2015 PMID: 25741868, with internal and published modifications).

GeneDx
No classification provided. Last evaluated: 2014-04-27. Review status: no classification provided. Criteria: GeneDx Variant Classification (06012015). Collection method: clinical testing. Allele origin: germline. Affected: yes. Not counted in ClinVar's aggregate classification.
Comment: Missense variants in the TTN gene are considered 'unclassified' if they are not previously reported in the literature and do not have >1% frequency in the population to be considered a polymorphism. Research indicates that truncating mutations in the TTN gene are expected to account for approximately 25% of familial and 18% of sporadic idiopathic DCM; however, truncating variants in the TTN gene have been reported in approximately 3% of reported control alleles. There has been little investigation into non-truncating variants. (Herman D et al. Truncations of titin causing dilated cardiomyopathy. N Eng J Med 366:619-628, 2012) The variant is found in CARDIOMYOPATHY panel(s).

NM_133379.5(TTN):c.12716C>T (p.Ala4239Val)

Gene: TTN (titin; minus strand). Cytogenetic location: 2q31.2.
Variant type: single nucleotide variant.
Coding change: c.12716C>T on transcript NM_133379.5; coding-DNA position 12716, C replaced by T.
Protein change: p.Ala4239Val; replaces alanine 4239 with valine.
Molecular consequence: missense variant. On other transcripts: intron variant (6).
Genome position (GRCh38, 1-based): chr2:178,749,684, G>A on the plus strand (C>T on the coding strand, the complement: TTN is on the minus strand). VCF-style: chr2-178749684-G-A. GRCh37 (hg19) VCF-style: chr2-179614411-G-A.
Other names: p.A4239V:GCA>GTA; c.10222+3440C>T (NM_003319.4); c.10798+3440C>T (NM_133437.4); c.10597+3440C>T (NM_133432.3); c.10360+3440C>T (NM_001256850.1, NM_133378.4); c.11311+3440C>T (NM_001267550.2); c.12716C>T (NM_133379.4); short protein forms A4239V.
Identifiers: ClinVar variation 166269 (VCV000166269.56), dbSNP rs72647901, ClinGen allele CA179124.
Genomic context (GRCh38, chr2:178,749,684, plus strand): 5'-AATTGACTATTTTCTCTATAAGTGACAGGCTCCACTGTTAGATCTGAAACACTTTCAACT[G>A]CCCCTGAATTGTTTTCAGCAACACATTTATATTTTCCAGAATCTTGAGAATTAACATCCT-3'